The following is an entry in ClinVar:

ClinVar aggregate classification (germline): Uncertain significance. Review status: criteria provided, multiple submitters, no conflicts (2 of 4 stars). 2 submissions from 2 submitters: Uncertain significance (2). Last evaluated 2024-08-27.

Conditions:
Inborn genetic diseases. Identifiers: MedGen C0950123, MeSH D030342.

gnomAD v4.1: 1 of 1,614,164 alleles (0.000062%); no homozygotes.

Submissions (2):

Ambry Genetics
Classification: Uncertain significance for Inborn genetic diseases. Last evaluated: 2024-08-27. Review status: criteria provided, single submitter. Criteria: Ambry Variant Classification Scheme 2023. Collection method: clinical testing. Allele origin: germline.

GeneDx
Classification: Uncertain significance. Last evaluated: 2022-12-15. Review status: criteria provided, single submitter. Criteria: GeneDx Variant Classification Process June 2021. Collection method: clinical testing. Allele origin: germline. Affected: yes.
Comment: Not observed at significant frequency in large population cohorts (gnomAD); In silico analysis supports that this missense variant has a deleterious effect on protein structure/function; Has not been previously published as pathogenic or benign to our knowledge

NM_016180.5(SLC45A2):c.1445T>G (p.Met482Arg)

Gene: SLC45A2 (solute carrier family 45 member 2; minus strand). Cytogenetic location: 5p13.2.
Variant type: single nucleotide variant.
Coding change: c.1445T>G on transcript NM_016180.5 (MANE Select); coding-DNA position 1445, T replaced by G.
Protein change: p.Met482Arg; replaces methionine 482 with arginine.
Molecular consequence: missense variant.
Genome position (GRCh38, 1-based): chr5:33,944,796, A>C on the plus strand (T>G on the coding strand, the complement: SLC45A2 is on the minus strand). VCF-style: chr5-33944796-A-C. GRCh37 (hg19) VCF-style: chr5-33944901-A-C.
Other names: short protein forms M482R.
Identifiers: ClinVar variation 2505784 (VCV002505784.2), dbSNP rs2478762606, ClinGen allele CA359387298.
Genomic context (GRCh38, chr5:33,944,796, plus strand): 5'-CCGGCTGTGTTGACCAGAAAGCCCAGGCCACCTCCGACCAGGATCTGAGCCAGCTGCACC[A>C]TGCATGTGAGGGTGGCGCAGTCCATGCCCTTCCCTCTCACGCTGTTGTCTGGGTCCCCTC-3'
Protein context (NP_057264.4, residues 472-492): KGMDCATLTC[Met482Arg]VQLAQILVGG